The following is an entry in ClinVar:

ClinVar aggregate classification (germline): Benign/Likely benign. Review status: criteria provided, multiple submitters, no conflicts (2 of 4 stars). 5 submissions from 5 submitters: Benign (2); Likely benign (3). Last evaluated 2026-03-01.

Conditions:
Bohring-Opitz syndrome. Also called: BOHRING SYNDROME; OPITZ TRIGONOCEPHALY-LIKE SYNDROME; ASXL1-Related Bohring-Opitz Syndrome; C-LIKE SYNDROME. Identifiers: Orphanet 97297, MedGen C0796232, MONDO:0011510, OMIM 605039.
Inborn genetic diseases. Identifiers: MedGen C0950123, MeSH D030342.

Allele frequency attached by ClinVar (database versions not stated): TOPMed 0.00002; gnomAD 0.00003.
gnomAD v4.1: 62 of 1,614,090 alleles (0.0038%); highest among the groups gnomAD compares: Admixed American, 0.1%; no homozygotes.

Submissions (5):

CeGaT Center for Human Genetics Tuebingen
Classification: Likely benign. Last evaluated: 2026-03-01. Review status: criteria provided, single submitter. Criteria: CeGaT Center For Human Genetics Tuebingen Variant Classification Criteria Version 2. Collection method: clinical testing. Allele origin: germline. Affected: yes. Observed: 2 variant alleles.
Comment: ASXL1: BP4, BS1

Labcorp Genetics (formerly Invitae), Labcorp
Classification: Likely benign. Last evaluated: 2026-01-12. Review status: criteria provided, single submitter. Criteria: Invitae Variant Classification Sherloc (09022015). Collection method: clinical testing. Allele origin: germline.

Ambry Genetics
Classification: Likely benign for Inborn genetic diseases. Last evaluated: 2024-10-05. Review status: criteria provided, single submitter. Criteria: Ambry Variant Classification Scheme 2023. Collection method: clinical testing. Allele origin: germline.

Genome-Nilou Lab
Classification: Benign for Bohring-Opitz syndrome. Last evaluated: 2021-12-05. Review status: criteria provided, single submitter. Criteria: ACMG Guidelines, 2015. Collection method: clinical testing. Allele origin: germline. Affected: no.

GeneDx
Classification: Benign. Last evaluated: 2020-02-21. Review status: criteria provided, single submitter. Criteria: GeneDx Variant Classification Process June 2021. Collection method: clinical testing. Allele origin: germline. Affected: yes.

NM_015338.6(ASXL1):c.1331C>T (p.Ser444Leu)

Gene: ASXL1 (ASXL transcriptional regulator 1; plus strand). Cytogenetic location: 20q11.21.
Variant type: single nucleotide variant.
Coding change: c.1331C>T on transcript NM_015338.6 (MANE Select); coding-DNA position 1331, C replaced by T.
Protein change: p.Ser444Leu; replaces serine 444 with leucine.
Molecular consequence: missense variant.
Genome position (GRCh38, 1-based): chr20:32,433,529, C>T. VCF-style: chr20-32433529-C-T. GRCh37 (hg19) VCF-style: chr20-31021332-C-T.
Other names: c.1148C>T, p.Ser383Leu (NM_001363734.1); short protein forms S383L, S444L.
Identifiers: ClinVar variation 729870 (VCV000729870.21), dbSNP rs373126831, ClinGen allele CA9808335.
Genomic context (GRCh38, chr20:32,433,529, plus strand): 5'-TGTACAAAAAACAGGAGTCAGAACAAGCAGGGGTTGCTAAGGATGCAAAATCTGTGGCCT[C>T]AGATGTTCCCCTCTACAAGGATGGGGAGGCTAAGACTGACCCAGCAGGGCTGAGCAGTCC-3'
Protein context (NP_056153.2, residues 434-454): GVAKDAKSVA[Ser444Leu]DVPLYKDGEA